The following is an entry in ClinVar:

ClinVar aggregate classification (germline): Benign/Likely benign. Review status: criteria provided, multiple submitters, no conflicts (2 of 4 stars). 5 submissions from 5 submitters: Benign (3); Likely benign (2). Last evaluated 2026-02-02.

Conditions:
Imerslund-Grasbeck syndrome type 2. Also called: Megaloblastic anemia 1, Norwegian type; MEGALOBLASTIC ANEMIA, NORWEGIAN TYPE; Imerslund-Gräsbeck syndrome 2. Identifiers: MedGen C4016948, MONDO:0100157, OMIM 618882.
Imerslund-Grasbeck syndrome. Also called: ENTEROCYTE COBALAMIN MALABSORPTION; ENTEROCYTE INTRINSIC FACTOR RECEPTOR, DEFECT OF; PERNICIOUS ANEMIA, JUVENILE, DUE TO SELECTIVE INTESTINAL MALABSORPTION OF VITAMIN B12, WITH PROTEINURIA; Megaloblastic anemia due to inborn errors of metabolism; Imerslund-Gräsbeck syndrome. Identifiers: Orphanet 35858, MedGen C4551825, MONDO:0009853.

Allele frequency attached by ClinVar (database versions not stated): 1000 Genomes Project 30x 0.00203; 1000 Genomes Project 0.00240; TOPMed 0.00291; ESP Exome Variant Server 0.00392; gnomAD exomes 0.00547 and 0.00595; gnomAD 0.00591 and 0.00632; ExAC 0.00627.
gnomAD v4.1: 8,782 of 1,607,086 alleles (0.55%); highest among the groups gnomAD compares: Non-Finnish European, 0.52%; 64 homozygotes.

Submissions (5):

Labcorp Genetics (formerly Invitae), Labcorp
Classification: Benign for Imerslund-Grasbeck syndrome. Last evaluated: 2026-02-02. Review status: criteria provided, single submitter. Criteria: Invitae Variant Classification Sherloc (09022015). Collection method: clinical testing. Allele origin: germline.

ARUP Laboratories, Molecular Genetics and Genomics, ARUP Laboratories
Classification: Benign for Imerslund-Grasbeck syndrome type 2. Last evaluated: 2023-10-02. Review status: criteria provided, single submitter. Criteria: ARUP Molecular Germline Variant Investigation Process 2024. Collection method: clinical testing. Allele origin: germline.

CeGaT Center for Human Genetics Tuebingen
Classification: Likely benign. Last evaluated: 2022-08-01. Review status: criteria provided, single submitter. Criteria: CeGaT Center For Human Genetics Tuebingen Variant Classification Criteria Version 2. Collection method: clinical testing. Allele origin: germline. Affected: yes. Observed: 1 variant allele.
Comment: AMN: BP4, BP7

GeneDx
Classification: Likely benign. Last evaluated: 2022-02-14. Review status: criteria provided, single submitter. Criteria: GeneDx Variant Classification Process June 2021. Collection method: clinical testing. Allele origin: germline. Affected: yes.
Comment: See Variant Classification Assertion Criteria.

Breakthrough Genomics
Classification: Benign. Review status: criteria provided, single submitter. Criteria: ACMG Guidelines, 2015. Collection method: not provided. Allele origin: germline. Inheritance: Autosomal recessive inheritance. Affected: yes.

NM_030943.4(AMN):c.363G>A (p.Gly121=)

Gene: AMN (amnion associated transmembrane protein; plus strand). Cytogenetic location: 14q32.32.
Variant type: single nucleotide variant.
Coding change: c.363G>A on transcript NM_030943.4 (MANE Select); coding-DNA position 363, G replaced by A.
Protein change: p.Gly121=; no amino-acid change (glycine 121 retained).
Molecular consequence: synonymous variant.
Genome position (GRCh38, 1-based): chr14:102,928,825, G>A. VCF-style: chr14-102928825-G-A. GRCh37 (hg19) VCF-style: chr14-103395162-G-A.
Identifiers: ClinVar variation 532207 (VCV000532207.37), dbSNP rs141455061, ClinGen allele CA7359900.